The following is an entry in ClinVar:

ClinVar aggregate classification (germline): Benign/Likely benign. Review status: criteria provided, multiple submitters, no conflicts (2 of 4 stars). 5 submissions from 5 submitters: Benign (2); Likely benign (2). 1 of the submissions does not count toward it. Last evaluated 2026-09-01.

Conditions:
TRIO-related disorder. Also called: TRIO-related disorders; TRIO-related condition.
Inborn genetic diseases. Identifiers: MedGen C0950123, MeSH D030342.

Allele frequency attached by ClinVar (database versions not stated): gnomAD 0.00061 and 0.00076; TOPMed 0.00076; ESP Exome Variant Server 0.00085; gnomAD exomes 0.00096 and 0.00126; 1000 Genomes Project 0.00100; ExAC 0.00123; 1000 Genomes Project 30x 0.00125.
gnomAD v4.1: 1,525 of 1,614,130 alleles (0.094%); highest among the groups gnomAD compares: South Asian, 0.63%; 10 homozygotes.

Submissions (5):

CeGaT Center for Human Genetics Tuebingen
Classification: Likely benign. Last evaluated: 2026-09-01. Review status: criteria provided, single submitter. Criteria: CeGaT Center For Human Genetics Tuebingen Variant Classification Criteria Version 2. Collection method: clinical testing. Allele origin: germline. Affected: yes. Observed: 10 variant alleles.
Comment: TRIO: BP4, BS1

Ambry Genetics
Classification: Likely benign for Inborn genetic diseases. Last evaluated: 2024-09-03. Review status: criteria provided, single submitter. Criteria: Ambry Variant Classification Scheme 2023. Collection method: clinical testing. Allele origin: germline.

Labcorp Genetics (formerly Invitae), Labcorp
Classification: Benign. Last evaluated: 2019-12-31. Review status: criteria provided, single submitter. Criteria: Invitae Variant Classification Sherloc (09022015). Collection method: clinical testing. Allele origin: germline.

GeneDx
Classification: Benign. Last evaluated: 2018-10-19. Review status: criteria provided, single submitter. Criteria: GeneDx Variant Classification Process June 2021. Collection method: clinical testing. Allele origin: germline. Affected: yes.

PreventionGenetics, part of Exact Sciences
Classification: Benign for TRIO-related condition. Last evaluated: 2023-06-20. Review status: no assertion criteria provided. Collection method: clinical testing. Allele origin: germline. Not counted in ClinVar's aggregate classification.
Comment: This variant is classified as benign based on ACMG/AMP sequence variant interpretation guidelines (Richards et al. 2015 PMID: 25741868, with internal and published modifications).

NM_007118.4(TRIO):c.8300C>T (p.Ser2767Leu)

Genes: TRIO (trio Rho guanine nucleotide exchange factor; plus strand), LOC126807323 (CDK7 strongly-dependent group 2 enhancer GRCh37_chr5:14497716-14498915; plus strand). Cytogenetic location: 5p15.2.
Variant type: single nucleotide variant.
Coding change: c.8300C>T on transcript NM_007118.4 (MANE Select); coding-DNA position 8300, C replaced by T.
Protein change: p.Ser2767Leu; replaces serine 2767 with leucine.
Molecular consequence: missense variant. On other transcripts: non-coding transcript variant (1).
Genome position (GRCh38, 1-based): chr5:14,498,608, C>T. VCF-style: chr5-14498608-C-T. GRCh37 (hg19) VCF-style: chr5-14498717-C-T.
Other names: short protein forms S2767L.
Identifiers: ClinVar variation 721659 (VCV000721659.33), dbSNP rs146227809, ClinGen allele CA3207818.